The following is an entry in ClinVar:

NM_031206.7(LAS1L):c.1703A>G (p.Glu568Gly)

Gene: LAS1L (LAS1 like ribosome biogenesis factor; minus strand). Cytogenetic location: Xq12.
Variant type: single nucleotide variant.
Coding change: c.1703A>G on transcript NM_031206.7 (MANE Select); coding-DNA position 1703, A replaced by G.
Protein change: p.Glu568Gly; replaces glutamic acid 568 with glycine.
Molecular consequence: missense variant. On other transcripts: non-coding transcript variant (1).
Genome position (GRCh38, 1-based): chrX:65,518,211, T>C on the plus strand (A>G on the coding strand, the complement: LAS1L is on the minus strand). VCF-style: chrX-65518211-T-C. GRCh37 (hg19) VCF-style: chrX-64738091-T-C.
Other names: c.1652A>G, p.Glu551Gly (NM_001170649.2, NM_001375333.1); c.1526A>G, p.Glu509Gly (NM_001170650.2); c.1703A>G, p.Glu568Gly (NM_001375328.1); c.746A>G, p.Glu249Gly (NM_001375332.1); short protein forms E249G, E509G, E551G, E568G.
Identifiers: ClinVar variation 4070862 (VCV004070862.1).

ClinVar aggregate classification (germline): Uncertain significance (1 of 4 stars; one submission).

Submission:

GeneDx
Classification: Uncertain significance. Last evaluated: 2025-01-16. Review status: criteria provided, single submitter. Criteria: GeneDx Variant Classification Process June 2021. Collection method: clinical testing. Allele origin: germline. Affected: yes.
Comment: Not observed at significant frequency in large population cohorts (gnomAD); In silico analysis indicates that this missense variant does not alter protein structure/function; Has not been previously published as pathogenic or benign to our knowledge